The following is an entry in ClinVar:

ClinVar aggregate classification (germline): Pathogenic. Review status: criteria provided, single submitter (1 of 4 stars). 4 submissions from 4 submitters: Pathogenic (1). 3 of the submissions do not count toward it. Last evaluated 2022-06-10.

Conditions:
Charcot-Marie-Tooth disease. Also called: Charcot-Marie-Tooth Neuropathy; Charcot-Marie-Tooth Hereditary Neuropathy. Identifiers: Orphanet 166, MedGen C0007959, MONDO:0015626.
Charcot-Marie-Tooth disease, type I (CMT1). Also called: Charcot-Marie-Tooth disease type 1; Charcot-Marie-Tooth, Type 1. Identifiers: Orphanet 65753, MedGen C0751036, MONDO:0019011.
Charcot-Marie-Tooth disease type 1D. Also called: Charcot-Marie-Tooth disease, demyelinating, type 1d; CHARCOT-MARIE-TOOTH NEUROPATHY, TYPE 1D; HEREDITARY MOTOR AND SENSORY NEUROPATHY 1D; HMSN ID. Identifiers: Orphanet 101084, MedGen C1843247, MONDO:0011890, OMIM 607678.

Submissions (4):

Labcorp Genetics (formerly Invitae), Labcorp
Classification: Pathogenic for Charcot-Marie-Tooth disease, type I. Last evaluated: 2022-06-10. Review status: criteria provided, single submitter. Criteria: Invitae Variant Classification Sherloc (09022015). Collection method: clinical testing. Allele origin: germline.
Comment: For these reasons, this variant has been classified as Pathogenic. This variant disrupts the p.Arg359 amino acid residue in EGR2. Other variant(s) that disrupt this residue have been determined to be pathogenic (PMID: 10369870, 10371530, 11523566, 15947997, 17717711, 27159987). This suggests that this residue is clinically significant, and that variants that disrupt this residue are likely to be disease-causing. Algorithms developed to predict the effect of missense changes on protein structure and function are either unavailable or do not agree on the potential impact of this missense change (SIFT: "Not Available"; PolyPhen-2: "Possibly Damaging"; Align-GVGD: "Not Available"). ClinVar contains an entry for this variant (Variation ID: 41007). This missense change has been observed in individual(s) with hereditary motor and sensory neuropathy (PMID: 16198564). In at least one individual the variant was observed to be de novo. This variant is not present in population databases (gnomAD no frequency). This sequence change replaces arginine, which is basic and polar, with glutamine, which is neutral and polar, at codon 359 of the EGR2 protein (p.Arg359Gln).

Inherited Neuropathy Consortium Ii, University Of Miami
Classification: Uncertain significance for Charcot-Marie-Tooth disease type 1D. Last evaluated: 2016-01-06. Review status: no assertion criteria provided. Collection method: literature only. Allele origin: germline. Affected: yes. Not counted in ClinVar's aggregate classification.

GeneReviews
No classification provided. Condition: Charcot-Marie-Tooth disease type 1D. Review status: no classification provided. Collection method: literature only. Allele origin: unknown. Not counted in ClinVar's aggregate classification.

Inherited Neuropathy Consortium
Classification: Uncertain significance for Charcot-Marie-Tooth disease. Review status: no assertion criteria provided. Collection method: literature only. Allele origin: germline. Affected: yes. Not counted in ClinVar's aggregate classification.

Literature cited by the submitters: PubMed 10369870 (cited by Labcorp Genetics (formerly Invitae), Labcorp); PubMed 10371530 (cited by Labcorp Genetics (formerly Invitae), Labcorp); PubMed 11523566 (cited by Labcorp Genetics (formerly Invitae), Labcorp); PubMed 15947997 (cited by Labcorp Genetics (formerly Invitae), Labcorp); PubMed 17717711 (cited by Labcorp Genetics (formerly Invitae), Labcorp); PubMed 27159987 (cited by Labcorp Genetics (formerly Invitae), Labcorp); PubMed 16198564 (cited by 3 submitters); PubMed 20301384 (cited by GeneReviews); NCBI Bookshelf NBK1205 (cited by GeneReviews).

NM_000399.5(EGR2):c.1076G>A (p.Arg359Gln)

Gene: EGR2 (early growth response 2; minus strand). Cytogenetic location: 10q21.3.
Variant type: single nucleotide variant.
Coding change: c.1076G>A on transcript NM_000399.5 (MANE Select); coding-DNA position 1076, G replaced by A.
Protein change: p.Arg359Gln; replaces arginine 359 with glutamine.
Molecular consequence: missense variant.
Genome position (GRCh38, 1-based): chr10:62,813,562, C>T on the plus strand (G>A on the coding strand, the complement: EGR2 is on the minus strand). VCF-style: chr10-62813562-C-T. GRCh37 (hg19) VCF-style: chr10-64573322-C-T.
Other names: c.1076G>A, p.Arg359Gln (NM_001136177.3, NM_001136178.2); c.926G>A, p.Arg309Gln (NM_001136179.3, NM_001321037.2); short protein forms R359Q, R309Q.
Identifiers: ClinVar variation 41007 (VCV000041007.9), dbSNP rs281865136, ClinGen allele CA343871.